The following is an entry in ClinVar:

ClinVar aggregate classification (germline): Likely pathogenic. Review status: criteria provided, single submitter (1 of 4 stars). 2 submissions from 2 submitters: Likely pathogenic (1). 1 of the submissions does not count toward it. Last evaluated 2023-05-18.

Conditions:
Neurodevelopmental disorder with seizures, hypotonia, and brain imaging abnormalities. Identifiers: MedGen C5394517, MONDO:0030063, OMIM 618922.

Allele frequency attached by ClinVar (database versions not stated): gnomAD 0.00001.
gnomAD v4.1: 3 of 1,613,966 alleles (0.00019%); highest among the groups gnomAD compares: Admixed American, 0.0017%; no homozygotes.

Submissions (2):

GeneDx
Classification: Likely pathogenic. Last evaluated: 2023-05-18. Review status: criteria provided, single submitter. Criteria: GeneDx Variant Classification Process June 2021. Collection method: clinical testing. Allele origin: germline. Affected: yes.
Comment: Nonsense variant predicted to result in protein truncation or nonsense mediated decay in a gene or region of a gene for which loss of function is not a well-established mechanism of disease; Not observed at significant frequency in large population cohorts (gnomAD); This variant is associated with the following publications: (PMID: 32286009)

OMIM
Classification: Pathogenic for NEURODEVELOPMENTAL DISORDER WITH SEIZURES, HYPOTONIA, AND BRAIN IMAGING ABNORMALITIES. Last evaluated: 2023-09-11. Review status: no assertion criteria provided. Collection method: literature only. Allele origin: germline. Not counted in ClinVar's aggregate classification.

Literature cited by the submitters: Marafi, D., Mitani, T., Isikay, S., Hertecant, J., Almannai, M., Manickam, K., Jamra, R. A., El-Hattab, A. W., Rajah, J., Fatih, J. M., Du, H., Karaca, E., and 12 others Biallelic GRM7 variants cause epilepsy, microcephaly, and cerebral atrophy. Ann. Clin. Transl. Neurol. 7: 610-627, 2020. (cited by OMIM).

NM_000844.4(GRM7):c.1975C>T (p.Arg659Ter)

Gene: GRM7 (glutamate metabotropic receptor 7; plus strand). Cytogenetic location: 3p26.1.
Variant type: single nucleotide variant.
Coding change: c.1975C>T on transcript NM_000844.4 (MANE Select); coding-DNA position 1975, C replaced by T.
Protein change: p.Arg659Ter; replaces arginine 659 with a stop codon.
Molecular consequence: nonsense.
Genome position (GRCh38, 1-based): chr3:7,578,881, C>T. VCF-style: chr3-7578881-C-T. GRCh37 (hg19) VCF-style: chr3-7620568-C-T.
Other names: c.1975C>T, p.Arg659Ter (NM_181874.3); c.1975C>T (NM_000844.3); short protein forms R659*.
Identifiers: ClinVar variation 972739 (VCV000972739.4), dbSNP rs1390058794, ClinGen allele CA351799976.
Genomic context (GRCh38, chr3:7,578,881, plus strand): 5'-TGCTACATCATCACTTTCCTGATGATTGCCAAACCAGATGTGGCAGTGTGTTCTTTCCGG[C>T]GAGTTTTCTTGGGCTTGGGTATGTGCATCAGTTATGCAGCCCTCTTGACGAAAACAAATC-3'